The following is an entry in ClinVar:

ClinVar aggregate classification (germline): Pathogenic. Review status: criteria provided, multiple submitters, no conflicts (2 of 4 stars). 3 submissions from 3 submitters: Pathogenic (3). Last evaluated 2024-12-21.

Conditions:
Dextro-looped transposition of the great arteries. Also called: Dextrotransposition of the great arteries. Identifiers: Orphanet 860, MedGen C3531771, MONDO:0019443, OMIM 608808, HP:0031348.
Global developmental delay (DD). Also called: Cognitive delay. Identifiers: MedGen C0557874, HP:0001263. Disease mechanism: loss of function.

Submissions (3):

GeneDx
Classification: Pathogenic. Last evaluated: 2024-12-21. Review status: criteria provided, single submitter. Criteria: GeneDx Variant Classification Process June 2021. Collection method: clinical testing. Allele origin: germline.
Comment: Nonsense variant predicted to result in protein truncation or nonsense mediated decay in a gene for which loss of function is a known mechanism of disease; Not observed at significant frequency in large population cohorts (gnomAD); This variant is associated with the following publications: (PMID: 33057194, 31785789, 35982159)

Labcorp Genetics (formerly Invitae), Labcorp
Classification: Pathogenic for Dextro-looped transposition of the great arteries. Last evaluated: 2023-10-13. Review status: criteria provided, single submitter. Criteria: Invitae Variant Classification Sherloc (09022015). Collection method: clinical testing. Allele origin: germline.
Comment: This sequence change creates a premature translational stop signal (p.Arg379*) in the MED13L gene. It is expected to result in an absent or disrupted protein product. Loss-of-function variants in MED13L are known to be pathogenic (PMID: 25712080, 25758992). This variant is not present in population databases (gnomAD no frequency). This premature translational stop signal has been observed in individual(s) with clinical features of MED13L-related conditions (PMID: 31785789). ClinVar contains an entry for this variant (Variation ID: 977626). For these reasons, this variant has been classified as Pathogenic.

Cytogénomique, Hospices Civils de Lyon
Classification: Pathogenic for Global developmental delay. Last evaluated: 2019-11-01. Review status: criteria provided, single submitter. Criteria: ACMG Guidelines, 2015. Collection method: clinical testing. Allele origin: de novo. Affected: yes.

Literature cited by the submitters: PubMed 25712080 (cited by Labcorp Genetics (formerly Invitae), Labcorp); PubMed 25758992 (cited by Labcorp Genetics (formerly Invitae), Labcorp); PubMed 31785789 (cited by Labcorp Genetics (formerly Invitae), Labcorp).

NM_015335.5(MED13L):c.1135C>T (p.Arg379Ter)

Gene: MED13L (mediator complex subunit 13L; minus strand). Cytogenetic location: 12q24.21.
Variant type: single nucleotide variant.
Coding change: c.1135C>T on transcript NM_015335.5 (MANE Select); coding-DNA position 1135, C replaced by T.
Protein change: p.Arg379Ter; replaces arginine 379 with a stop codon.
Molecular consequence: nonsense.
Genome position (GRCh38, 1-based): chr12:116,015,149, G>A on the plus strand (C>T on the coding strand, the complement: MED13L is on the minus strand). VCF-style: chr12-116015149-G-A. GRCh37 (hg19) VCF-style: chr12-116452954-G-A.
Other names: short protein forms R379*.
Identifiers: ClinVar variation 977626 (VCV000977626.9), dbSNP rs2499931468, ClinGen allele CA386898502.